The following is an entry in ClinVar:

ClinVar aggregate classification (germline): Pathogenic (1 of 4 stars; one submission).

Conditions:
Severe combined immunodeficiency, autosomal recessive, T cell-negative, B cell-negative, NK cell-negative, due to adenosine deaminase deficiency. Also called: ADA deficiency; Adenosine deaminase deficient severe combined immunodeficiency; Severe combined immunodeficiency due to ADA deficiency; SCID DUE TO ADA DEFICIENCY; SCID DUE TO ADA DEFICIENCY, EARLY-ONSET; Adenosine Deaminase Deficiency. Identifiers: Orphanet 277, MedGen C0392607, MONDO:0007064, OMIM 102700.

Submission:

Labcorp Genetics (formerly Invitae), Labcorp
Classification: Pathogenic for Severe combined immunodeficiency, autosomal recessive, T cell-negative, B cell-negative, NK cell-negative, due to adenosine deaminase deficiency. Last evaluated: 2020-06-08. Review status: criteria provided, single submitter. Criteria: Invitae Variant Classification Sherloc (09022015). Collection method: clinical testing. Allele origin: germline.
Comment: This variant is an out-of-frame deletion of the genomic region encompassing exon 2 of the ADA gene. This is expected to create a premature translational stop signal and result in an absent or disrupted protein product. This variant has not been reported in the literature in individuals with ADA-related conditions. Loss-of-function variants in ADA are known to be pathogenic (PMID: 26255240, 26376800). For these reasons, this variant has been classified as Pathogenic.

Literature cited by the submitters: PubMed 26255240; PubMed 26376800.

NC_000020.10:g.(?_43264848)_(43264949_?)del

Gene: ADA (adenosine deaminase; minus strand). Cytogenetic location: 20q13.12.
Variant type: Deletion.
Identifiers: ClinVar variation 1068992 (VCV001068992.1).